The following is an entry in ClinVar:

ClinVar aggregate classification (germline): Conflicting classifications of pathogenicity. Review status: criteria provided, conflicting classifications (1 of 4 stars). 3 submissions from 3 submitters: Uncertain significance (1); Likely benign (1). 1 of the submissions does not count toward it. Last evaluated 2025-08-23.

Conditions:
EHHADH-related disorder. Also called: EHHADH-related condition.

Allele frequency attached by ClinVar (database versions not stated): gnomAD 0.00003; TOPMed 0.00011; ExAC 0.00031; gnomAD exomes 0.00033; 1000 Genomes Project 0.00040; 1000 Genomes Project 30x 0.00062.
gnomAD v4.1: 94 of 1,612,344 alleles (0.0058%); highest among the groups gnomAD compares: Admixed American, 0.16%; 1 homozygote.

Submissions (3):

Ambry Genetics
Classification: Uncertain significance. Last evaluated: 2025-08-23. Review status: criteria provided, single submitter. Criteria: Ambry Variant Classification Scheme 2023. Collection method: clinical testing. Allele origin: germline.

Eurofins Ntd Llc (ga)
Classification: Likely benign. Last evaluated: 2017-07-26. Review status: criteria provided, single submitter. Criteria: EGL Classification Definitions 2015. Collection method: clinical testing. Allele origin: germline. Observed: 1 variant allele, 1 heterozygote.

PreventionGenetics, part of Exact Sciences
Classification: Likely benign for EHHADH-related condition. Last evaluated: 2022-03-28. Review status: no assertion criteria provided. Collection method: clinical testing. Allele origin: germline. Not counted in ClinVar's aggregate classification.
Comment: This variant is classified as likely benign based on ACMG/AMP sequence variant interpretation guidelines (Richards et al. 2015 PMID: 25741868, with internal and published modifications).

NM_001966.4(EHHADH):c.1081C>A (p.Pro361Thr)

Gene: EHHADH (enoyl-CoA hydratase and 3-hydroxyacyl CoA dehydrogenase; minus strand). Cytogenetic location: 3q27.2.
Variant type: single nucleotide variant.
Coding change: c.1081C>A on transcript NM_001966.4 (MANE Select); coding-DNA position 1081, C replaced by A.
Protein change: p.Pro361Thr; replaces proline 361 with threonine.
Molecular consequence: missense variant.
Genome position (GRCh38, 1-based): chr3:185,193,317, G>T on the plus strand (C>A on the coding strand, the complement: EHHADH is on the minus strand). VCF-style: chr3-185193317-G-T. GRCh37 (hg19) VCF-style: chr3-184911105-G-T.
Other names: c.1081C>A (NM_001966.3); c.793C>A, p.Pro265Thr (NM_001166415.2); short protein forms P361T, P265T.
Identifiers: ClinVar variation 593437 (VCV000593437.8), dbSNP rs186736134, ClinGen allele CA2739040.